The following is an entry in ClinVar:

NM_001385.3(DPYS):c.216C>T (p.Phe72=)

Gene: DPYS (dihydropyrimidinase; minus strand). Cytogenetic location: 8q22.3.
Variant type: single nucleotide variant.
Coding change: c.216C>T on transcript NM_001385.3 (MANE Select); coding-DNA position 216, C replaced by T.
Protein change: p.Phe72=; no amino-acid change (phenylalanine 72 retained).
Molecular consequence: synonymous variant.
Genome position (GRCh38, 1-based): chr8:104,466,705, G>A on the plus strand (C>T on the coding strand, the complement: DPYS is on the minus strand). VCF-style: chr8-104466705-G-A. GRCh37 (hg19) VCF-style: chr8-105478933-G-A.
Identifiers: ClinVar variation 100148 (VCV000100148.14), dbSNP rs2298840, ClinGen allele CA228224.

ClinVar aggregate classification (germline): Benign. Review status: criteria provided, multiple submitters, no conflicts (2 of 4 stars). 4 submissions from 4 submitters: Benign (3). 1 of the submissions does not count toward it. Last evaluated 2026-02-02.

Conditions:
Dihydropyrimidinase deficiency (DPYSD). Also called: DPH DEFICIENCY; DPYS DEFICIENCY; dihydropyrimidinuria. Identifiers: Orphanet 38874, MedGen C0342803, MONDO:0009111, OMIM 222748.

Allele frequency attached by ClinVar (database versions not stated): TOPMed 0.21317; 1000 Genomes Project 0.23163; 1000 Genomes Project 30x 0.23189; ESP Exome Variant Server 0.16442; ExAC 0.17178; gnomAD exomes 0.18501 and 0.19302; gnomAD 0.20789 and 0.20920.
gnomAD v4.1: 287,496 of 1,531,760 alleles (19%); highest among the groups gnomAD compares: East Asian, 32%; 28,132 homozygotes.

Submissions (4):

Labcorp Genetics (formerly Invitae), Labcorp
Classification: Benign. Last evaluated: 2026-02-02. Review status: criteria provided, single submitter. Criteria: Invitae Variant Classification Sherloc (09022015). Collection method: clinical testing. Allele origin: germline.

Illumina Laboratory Services, Illumina
Classification: Benign for Dihydropyrimidinase deficiency. Last evaluated: 2018-01-13. Review status: criteria provided, single submitter. Criteria: ICSL Variant Classification Criteria 13 December 2019. Collection method: clinical testing. Allele origin: germline.
Comment: This variant was observed in the ICSL laboratory as part of a predisposition screen in an ostensibly healthy population. It had not been previously curated by ICSL or reported in the Human Gene Mutation Database (HGMD: prior to June 1st, 2018), and was therefore a candidate for classification through an automated scoring system. Utilizing variant allele frequency, disease prevalence and penetrance estimates, and inheritance mode, an automated score was calculated to assess if this variant is too frequent to cause the disease. Based on the score and internal cut-off values, a variant classified as benign is not then subjected to further curation. The score for this variant resulted in a classification of benign for this disease.

Breakthrough Genomics
Classification: Benign. Review status: criteria provided, single submitter. Criteria: ACMG Guidelines, 2015. Collection method: not provided. Allele origin: germline. Inheritance: Autosomal recessive inheritance. Affected: yes.

Diasio Lab,  Mayo Clinic
No classification provided. Review status: no classification provided. Collection method: not provided. Allele origin: unknown. Not counted in ClinVar's aggregate classification.